The following is an entry in ClinVar:

ClinVar aggregate classification (germline): Uncertain significance (1 of 4 stars; one submission).

Conditions:
Hyperkalemic periodic paralysis. Also called: Familial hyperkalemic periodic paralysis; Gamstorp disease. Identifiers: Orphanet 682, MedGen C0238357, MONDO:0008224, OMIM 170500, HP:0007215.

Allele frequency attached by ClinVar (database versions not stated): gnomAD exomes below 0.00001; gnomAD 0.00001; TOPMed 0.00002.
gnomAD v4.1: 4 of 1,612,252 alleles (0.00025%); highest among the groups gnomAD compares: Non-Finnish European, 0.00034%; no homozygotes.

Submission:

Labcorp Genetics (formerly Invitae), Labcorp
Classification: Uncertain significance for Hyperkalemic periodic paralysis. Last evaluated: 2023-06-14. Review status: criteria provided, single submitter. Criteria: Invitae Variant Classification Sherloc (09022015). Collection method: clinical testing. Allele origin: germline.
Comment: This variant has not been reported in the literature in individuals affected with SCN4A-related conditions. Advanced modeling of protein sequence and biophysical properties (such as structural, functional, and spatial information, amino acid conservation, physicochemical variation, residue mobility, and thermodynamic stability) has been performed at Invitae for this missense variant, however the output from this modeling did not meet the statistical confidence thresholds required to predict the impact of this variant on SCN4A protein function. In summary, the available evidence is currently insufficient to determine the role of this variant in disease. Therefore, it has been classified as a Variant of Uncertain Significance. This variant is not present in population databases (gnomAD no frequency). This sequence change replaces proline, which is neutral and non-polar, with histidine, which is basic and polar, at codon 1812 of the SCN4A protein (p.Pro1812His).

NM_000334.4(SCN4A):c.5435C>A (p.Pro1812His)

Genes: GH-LCR (growth hormone locus control region; plus strand), SCN4A (sodium voltage-gated channel alpha subunit 4; minus strand). Cytogenetic location: 17q23.3.
Variant type: single nucleotide variant.
Coding change: c.5435C>A on transcript NM_000334.4 (MANE Select); coding-DNA position 5435, C replaced by A.
Protein change: p.Pro1812His; replaces proline 1812 with histidine.
Molecular consequence: missense variant.
Genome position (GRCh38, 1-based): chr17:63,940,847, G>T on the plus strand (C>A on the coding strand, the complement: SCN4A is on the minus strand). VCF-style: chr17-63940847-G-T. GRCh37 (hg19) VCF-style: chr17-62018207-G-T.
Other names: short protein forms P1812H.
Identifiers: ClinVar variation 2762515 (VCV002762515.3), dbSNP rs1290985727, ClinGen allele CA400610275.